The following is an entry in ClinVar:

ClinVar aggregate classification (germline): Conflicting classifications of pathogenicity. Review status: criteria provided, conflicting classifications (1 of 4 stars). 3 submissions from 3 submitters: Uncertain significance (2); Likely benign (1). Last evaluated 2026-09-10.

Conditions:
Drash syndrome (DDS). Also called: NEPHROPATHY, WILMS TUMOR, AND GENITAL ANOMALIES; WILMS TUMOR AND PSEUDO- OR TRUE HERMAPHRODITISM. Identifiers: Orphanet 220, MedGen C0950121, MONDO:0008682, OMIM 194080.
Frasier syndrome. Identifiers: Orphanet 347, MedGen C0950122, MeSH D052159, MONDO:0007635, OMIM 136680.
Wilms tumor 1 (WT1). Also called: Wilms tumor, somatic. Identifiers: Orphanet 654, MedGen CN033288, MONDO:0008679, OMIM 194070.
11p partial monosomy syndrome (WAGR). Also called: WAGR Spectrum Disorder; CHROMOSOME 11p13 DELETION SYNDROME; WAGR syndrome; WAGR Complex. Identifiers: Orphanet 893, MedGen C0206115, MONDO:0008681, OMIM 194072.
Inborn genetic diseases. Identifiers: MedGen C0950123, MeSH D030342.

Submissions (3):

Ambry Genetics
Classification: Likely benign for Inborn genetic diseases. Last evaluated: 2026-09-10. Review status: criteria provided, single submitter. Criteria: Ambry Variant Classification Scheme 2023. Collection method: clinical testing. Allele origin: germline.

CeGaT Center for Human Genetics Tuebingen
Classification: Uncertain significance. Last evaluated: 2026-08-01. Review status: criteria provided, single submitter. Criteria: CeGaT Center For Human Genetics Tuebingen Variant Classification Criteria Version 2. Collection method: clinical testing. Allele origin: germline. Affected: yes. Observed: 1 variant allele.
Comment: WT1: PM2

Labcorp Genetics (formerly Invitae), Labcorp
Classification: Uncertain significance for Wilms tumor 1; Drash syndrome; 11p partial monosomy syndrome; Frasier syndrome. Last evaluated: 2022-08-05. Review status: criteria provided, single submitter. Criteria: Invitae Variant Classification Sherloc (09022015). Collection method: clinical testing. Allele origin: germline.
Comment: This variant is not present in population databases (gnomAD no frequency). In summary, the available evidence is currently insufficient to determine the role of this variant in disease. Therefore, it has been classified as a Variant of Uncertain Significance. Algorithms developed to predict the effect of missense changes on protein structure and function (SIFT, PolyPhen-2, Align-GVGD) all suggest that this variant is likely to be tolerated. This variant has not been reported in the literature in individuals affected with WT1-related conditions. This sequence change replaces valine, which is neutral and non-polar, with leucine, which is neutral and non-polar, at codon 9 of the WT1 protein (p.Val9Leu).

NM_024426.6(WT1):c.40G>C (p.Val14Leu)

Genes: WT1 (WT1 transcription factor; minus strand), LOC107982234 (WT1/WT1-AS bi-directional promoter region; plus strand). Cytogenetic location: 11p13.
Variant type: single nucleotide variant.
Coding change: c.40G>C on transcript NM_024426.6 (MANE Select); coding-DNA position 40, G replaced by C.
Protein change: p.Val14Leu; replaces valine 14 with leucine.
Molecular consequence: missense variant. On other transcripts: non-coding transcript variant (1).
Genome position (GRCh38, 1-based): chr11:32,435,321, C>G on the plus strand (G>C on the coding strand, the complement: WT1 is on the minus strand). VCF-style: chr11-32435321-C-G. GRCh37 (hg19) VCF-style: chr11-32456867-C-G.
Other names: c.40G>C, p.Val14Leu (NM_000378.6, NM_001407044.1, NM_001407045.1 and 6 more transcripts); c.25G>C (NM_024426.4); c.25G>C, p.Val9Leu (NM_024425.2); short protein forms V14L, V9L.
Identifiers: ClinVar variation 2418325 (VCV002418325.12), dbSNP rs2494490030, ClinGen allele CA379966514.